The following is an entry in ClinVar:

ClinVar aggregate classification (germline): Benign/Likely benign. Review status: criteria provided, multiple submitters, no conflicts (2 of 4 stars). 3 submissions from 3 submitters: Benign (2); Likely benign (1). Last evaluated 2026-02-01.

Conditions:
Myasthenic syndrome, congenital, 22 (CMS22). Also called: PREPL DEFICIENCY. Identifiers: MedGen C4479088, MONDO:0044299, OMIM 616224.

Allele frequency attached by ClinVar (database versions not stated): gnomAD exomes 0.00647; ExAC 0.00682; 1000 Genomes Project 0.00300; TOPMed 0.00625; gnomAD 0.00681 and 0.00695; ESP Exome Variant Server 0.00961; 1000 Genomes Project 30x 0.00297.
gnomAD v4.1: 14,491 of 1,598,454 alleles (0.91%); highest among the groups gnomAD compares: Non-Finnish European, 1.1%; 85 homozygotes.

Submissions (3):

Labcorp Genetics (formerly Invitae), Labcorp
Classification: Benign for Myasthenic syndrome, congenital, 22. Last evaluated: 2026-02-01. Review status: criteria provided, single submitter. Criteria: Invitae Variant Classification Sherloc (09022015). Collection method: clinical testing. Allele origin: germline.

GeneDx
Classification: Likely benign. Last evaluated: 2021-05-20. Review status: criteria provided, single submitter. Criteria: GeneDx Variant Classification Process June 2021. Collection method: clinical testing. Allele origin: germline. Affected: yes.
Comment: See Variant Classification Assertion Criteria.

Breakthrough Genomics
Classification: Benign. Review status: criteria provided, single submitter. Criteria: ACMG Guidelines, 2015. Collection method: not provided. Allele origin: germline. Inheritance: Autosomal recessive inheritance. Affected: yes.

NM_001171613.2(PREPL):c.1086+15C>T

Gene: PREPL (prolyl endopeptidase like; minus strand). Cytogenetic location: 2p21.
Variant type: single nucleotide variant.
Coding change: c.1086+15C>T on transcript NM_001171613.2 (MANE Select); 15 bases into the intron after coding-DNA position 1086, C replaced by T.
Molecular consequence: intron variant.
Genome position (GRCh38, 1-based): chr2:44,332,444, G>A on the plus strand (C>T on the coding strand, the complement: PREPL is on the minus strand). VCF-style: chr2-44332444-G-A. GRCh37 (hg19) VCF-style: chr2-44559583-G-A.
Other names: c.1086+15C>T (NM_001171617.1, NM_001374277.1); c.1353+15C>T (NM_001171603.1, NM_001374275.1, NM_001374276.1 and 2 more transcripts); c.1167+15C>T (NM_001042385.2); c.1156-3332C>T (NM_001042386.2).
Identifiers: ClinVar variation 1165474 (VCV001165474.11), dbSNP rs76399930, ClinGen allele CA1641254.